The following is an entry in ClinVar:

NM_001395656.1(ROBO2):c.3245C>G (p.Pro1082Arg)

Gene: ROBO2 (roundabout guidance receptor 2; plus strand). Cytogenetic location: 3p12.3.
Variant type: single nucleotide variant.
Coding change: c.3245C>G on transcript NM_001395656.1 (MANE Select); coding-DNA position 3245, C replaced by G.
Protein change: p.Pro1082Arg; replaces proline 1082 with arginine.
Molecular consequence: missense variant.
Genome position (GRCh38, 1-based): chr3:77,607,894, C>G. VCF-style: chr3-77607894-C-G. GRCh37 (hg19) VCF-style: chr3-77657045-C-G.
Other names: c.3281C>G, p.Pro1094Arg (NM_001128929.3); c.3245C>G, p.Pro1082Arg (NM_001290039.2, NM_001290040.2); c.1454C>G, p.Pro485Arg (NM_001290065.2); c.3293C>G, p.Pro1098Arg (NM_001378190.1, NM_001378200.1, NM_001378201.1 and 1 more transcripts); c.3419C>G, p.Pro1140Arg (NM_001378191.1, NM_001378195.1, NM_001378196.1); c.3314C>G, p.Pro1105Arg (NM_001378192.1, NM_001378198.1, NM_001378199.1); c.3233C>G, p.Pro1078Arg (NM_001378193.1, NM_002942.5); c.3431C>G, p.Pro1144Arg (NM_001378194.1); and 6 more; short protein forms P1094R, P1078R, P1082R, P485R, P1079R, P1098R, P1101R, P1105R.
Identifiers: ClinVar variation 809509 (VCV000809509.46), dbSNP rs374166639, ClinGen allele CA2497593.

ClinVar aggregate classification (germline): Conflicting classifications of pathogenicity. Review status: criteria provided, conflicting classifications (1 of 4 stars). 4 submissions from 4 submitters: Uncertain significance (2); Likely benign (1). 1 of the submissions does not count toward it. Last evaluated 2025-09-01.

Conditions:
Inborn genetic diseases. Identifiers: MedGen C0950123, MeSH D030342.
ROBO2-related disorder. Also called: ROBO2-related condition.
Vesicoureteral reflux 2 (VUR2). Identifiers: Orphanet 289365, MedGen C1970483, MONDO:0012573, OMIM 610878.

Allele frequency attached by ClinVar (database versions not stated): ESP Exome Variant Server 0.00008; TOPMed 0.00008.
gnomAD v4.1: 53 of 1,613,876 alleles (0.0033%); highest among the groups gnomAD compares: Middle Eastern, 0.033%; no homozygotes.

Submissions (4):

Ambry Genetics
Classification: Uncertain significance for Inborn genetic diseases. Last evaluated: 2025-09-01. Review status: criteria provided, single submitter. Criteria: Ambry Variant Classification Scheme 2023. Collection method: clinical testing. Allele origin: germline.

Fulgent Genetics
Classification: Likely benign for Vesicoureteral reflux 2. Last evaluated: 2024-06-15. Review status: criteria provided, single submitter. Criteria: ACMG Guidelines, 2015. Collection method: clinical testing. Allele origin: germline.

CeGaT Center for Human Genetics Tuebingen
Classification: Uncertain significance. Last evaluated: 2018-12-01. Review status: criteria provided, single submitter. Criteria: CeGaT Center For Human Genetics Tuebingen Variant Classification Criteria Version 2. Collection method: clinical testing. Allele origin: germline. Affected: yes. Observed: 1 variant allele.

PreventionGenetics, part of Exact Sciences
Classification: Uncertain significance for ROBO2-related condition. Last evaluated: 2024-07-21. Review status: no assertion criteria provided. Collection method: clinical testing. Allele origin: germline. Not counted in ClinVar's aggregate classification.
Comment: The ROBO2 c.3281C>G variant is predicted to result in the amino acid substitution p.Pro1094Arg. To our knowledge, this variant has not been reported in the literature. This variant is reported in 0.0098% of alleles in individuals of South Asian descent in gnomAD. At this time, the clinical significance of this variant is uncertain due to the absence of conclusive functional and genetic evidence.